The following is an entry in ClinVar:

NM_004360.5(CDH1):c.1487C>T (p.Ser496Phe)

Gene: CDH1 (cadherin 1; plus strand). Cytogenetic location: 16q22.1.
Variant type: single nucleotide variant.
Coding change: c.1487C>T on transcript NM_004360.5 (MANE Select); coding-DNA position 1487, C replaced by T.
Protein change: p.Ser496Phe; replaces serine 496 with phenylalanine.
Molecular consequence: missense variant. On other transcripts: 5 prime UTR variant (2).
Genome position (GRCh38, 1-based): chr16:68,815,681, C>T. VCF-style: chr16-68815681-C-T. GRCh37 (hg19) VCF-style: chr16-68849584-C-T.
Other names: c.1304C>T, p.Ser435Phe (NM_001317184.2); c.-62C>T (NM_001317185.2); c.-333C>T (NM_001317186.2); short protein forms S435F, S496F.
Identifiers: ClinVar variation 5033948 (VCV005033948.1).

ClinVar aggregate classification (germline): Uncertain significance (1 of 4 stars; one submission).

Conditions:
Hereditary cancer-predisposing syndrome. Also called: Neoplastic Syndromes, Hereditary; Tumor predisposition; Hereditary neoplastic syndrome; Hereditary Cancer Syndrome. Identifiers: Orphanet 140162, MedGen C0027672, MeSH D009386, MONDO:0015356.

Submission:

Ambry Genetics
Classification: Uncertain significance for Hereditary cancer-predisposing syndrome. Last evaluated: 2026-07-06. Review status: criteria provided, single submitter. Criteria: Ambry Variant Classification Scheme 2023. Collection method: clinical testing. Allele origin: germline.
Comment: The p.S496F variant (also known as c.1487C>T), located in coding exon 10 of the CDH1 gene, results from a C to T substitution at nucleotide position 1487. The serine at codon 496 is replaced by phenylalanine, an amino acid with highly dissimilar properties. This amino acid position is conserved. In addition, this alteration is predicted to be tolerated by in silico analysis. Based on the available evidence, the clinical significance of this variant remains unclear.